The following is an entry in ClinVar:

ClinVar aggregate classification (germline): Uncertain significance (1 of 4 stars; one submission).

Conditions:
STXBP2-related disorder. Also called: STXBP2-related condition.

Submission:

PreventionGenetics, part of Exact Sciences
Classification: Uncertain significance for STXBP2-related condition. Last evaluated: 2026-07-14. Review status: criteria provided, single submitter. Criteria: ACMG Guidelines, 2015. Collection method: clinical testing. Allele origin: germline.
Comment: The STXBP2 c.22_23delinsTG variant is predicted to result in an in-frame deletion and insertion. To our knowledge, this variant has not been reported in the literature or in a large population database (gnomAD), indicating this variant is rare. At this time, the clinical significance of this variant is uncertain due to the absence of conclusive functional and genetic evidence.

NM_006949.4(STXBP2):c.22_23delinsTG (p.Ala8Trp)

Gene: STXBP2 (syntaxin binding protein 2; plus strand). Cytogenetic location: 19p13.2.
Variant type: Indel.
Coding change: c.22_23delinsTG on transcript NM_006949.4 (MANE Select); coding-DNA positions 22 to 23, GC replaced by TG.
Protein change: p.Ala8Trp; replaces alanine 8 with tryptophan.
Molecular consequence: missense variant. On other transcripts: non-coding transcript variant (1), intron variant (1).
Genome position (GRCh38, 1-based): chr19:7,637,171-7,637,172, GC replaced by TG. VCF-style: chr19-7637171-GC-TG. GRCh37 (hg19) VCF-style: chr19-7702057-GC-TG.
Other names: c.22_23delinsTG, p.Ala8Trp (NM_001127396.3, NM_001272034.2); c.-59-1555_-59-1554delinsTG (NM_001414484.1); short protein forms A8W.
Identifiers: ClinVar variation 4994387 (VCV004994387.1).
Genomic context (GRCh38, chr19:7,637,171, plus strand): 5'-GGACACACCCGGAAGCGGCGGCGGCGCCCCTCGGGGAAGATGGCGCCCTCGGGGCTGAAG[GC>TG]GGTGGTGGGGGAAAGTGAGTGCCTCTCCGGGGCCGGGCTCTGGCGTCCGGTGTGGGACGG-3'
Protein context (NP_008880.2, residues 1-18): MAPSGLK[Ala8Trp]VVGEKILSGV